The following is an entry in ClinVar:

NM_003036.4(SKI):c.116C>T (p.Ser39Leu)

Gene: SKI (SKI proto-oncogene; plus strand). Cytogenetic location: 1p36.33.
Variant type: single nucleotide variant.
Coding change: c.116C>T on transcript NM_003036.4 (MANE Select); coding-DNA position 116, C replaced by T.
Protein change: p.Ser39Leu; replaces serine 39 with leucine.
Molecular consequence: missense variant.
Genome position (GRCh38, 1-based): chr1:2,228,882, C>T. VCF-style: chr1-2228882-C-T. GRCh37 (hg19) VCF-style: chr1-2160321-C-T.
Other names: short protein forms S39L.
Identifiers: ClinVar variation 463393 (VCV000463393.9), dbSNP rs746485528, ClinGen allele CA536338.

ClinVar aggregate classification (germline): Uncertain significance. Review status: criteria provided, multiple submitters, no conflicts (2 of 4 stars). 2 submissions from 2 submitters: Uncertain significance (2). Last evaluated 2025-05-11.

Conditions:
Familial thoracic aortic aneurysm and aortic dissection (TAAD). Also called: Thoracic aortic aneurysms and dissections. Identifiers: Orphanet 91387, MedGen C4707243, MONDO:0019625.
Shprintzen-Goldberg syndrome (SGS). Also called: CRANIOSYNOSTOSIS WITH ARACHNODACTYLY AND ABDOMINAL HERNIAS; Marfanoid disorder with craniosynostosis type 1; Marfanoid craniosynostosis syndrome; Shprintzen-Goldberg marfanoid syndrome; SHPRINTZEN-GOLDBERG CRANIOSYNOSTOSIS SYNDROME. Identifiers: Orphanet 2462, MedGen C1321551, MONDO:0008426, OMIM 182212.

Allele frequency attached by ClinVar (database versions not stated): gnomAD exomes 0.00001; ExAC 0.00008; TOPMed below 0.00001.
gnomAD v4.1: 30 of 1,427,528 alleles (0.0021%); highest among the groups gnomAD compares: Non-Finnish European, 0.0028%; no homozygotes.

Submissions (2):

Labcorp Genetics (formerly Invitae), Labcorp
Classification: Uncertain significance for Shprintzen-Goldberg syndrome. Last evaluated: 2025-05-11. Review status: criteria provided, single submitter. Criteria: Invitae Variant Classification Sherloc (09022015). Collection method: clinical testing. Allele origin: germline.
Comment: This sequence change replaces serine, which is neutral and polar, with leucine, which is neutral and non-polar, at codon 39 of the SKI protein (p.Ser39Leu). The frequency data for this variant in the population databases is considered unreliable, as metrics indicate poor data quality at this position in the gnomAD database. This variant has not been reported in the literature in individuals affected with SKI-related conditions. ClinVar contains an entry for this variant (Variation ID: 463393). Invitae Evidence Modeling of protein sequence and biophysical properties (such as structural, functional, and spatial information, amino acid conservation, physicochemical variation, residue mobility, and thermodynamic stability) indicates that this missense variant is not expected to disrupt SKI protein function with a negative predictive value of 95%. In summary, the available evidence is currently insufficient to determine the role of this variant in disease. Therefore, it has been classified as a Variant of Uncertain Significance.

Ambry Genetics
Classification: Uncertain significance for Familial thoracic aortic aneurysm and aortic dissection. Last evaluated: 2024-03-10. Review status: criteria provided, single submitter. Criteria: Ambry Variant Classification Scheme 2023. Collection method: clinical testing. Allele origin: germline.
Comment: The p.S39L variant (also known as c.116C>T), located in coding exon 1 of the SKI gene, results from a C to T substitution at nucleotide position 116. The serine at codon 39 is replaced by leucine, an amino acid with dissimilar properties. This amino acid position is conserved. In addition, the in silico prediction for this alteration is inconclusive. Based on the available evidence, the clinical significance of this alteration remains unclear.